The following is an entry in ClinVar:

NM_001378457.1(DMXL2):c.3694C>G (p.Leu1232Val)

Gene: DMXL2 (Dmx like 2; minus strand). Cytogenetic location: 15q21.2.
Variant type: single nucleotide variant.
Coding change: c.3694C>G on transcript NM_001378457.1 (MANE Select); coding-DNA position 3694, C replaced by G.
Protein change: p.Leu1232Val; replaces leucine 1232 with valine.
Molecular consequence: missense variant. On other transcripts: non-coding transcript variant (2), intron variant (2).
Genome position (GRCh38, 1-based): chr15:51,499,530, G>C on the plus strand (C>G on the coding strand, the complement: DMXL2 is on the minus strand). VCF-style: chr15-51499530-G-C. GRCh37 (hg19) VCF-style: chr15-51791727-G-C.
Other names: c.3694C>G, p.Leu1232Val (NM_001174116.3, NM_001378458.1, NM_001378459.1 and 4 more transcripts); c.3454C>G, p.Leu1152Val (NM_001378464.1); c.2764+7604C>G (NM_001378460.1); c.2765-4396C>G (NM_001174117.3); short protein forms L1152V, L1232V.
Identifiers: ClinVar variation 2108873 (VCV002108873.4), dbSNP rs2548507896, ClinGen allele CA392434707.

ClinVar aggregate classification (germline): Uncertain significance (1 of 4 stars; one submission).

Submission:

Labcorp Genetics (formerly Invitae), Labcorp
Classification: Uncertain significance. Last evaluated: 2022-03-20. Review status: criteria provided, single submitter. Criteria: Invitae Variant Classification Sherloc (09022015). Collection method: clinical testing. Allele origin: germline.
Comment: In summary, the available evidence is currently insufficient to determine the role of this variant in disease. Therefore, it has been classified as a Variant of Uncertain Significance. Algorithms developed to predict the effect of missense changes on protein structure and function are either unavailable or do not agree on the potential impact of this missense change (SIFT: "Tolerated"; PolyPhen-2: "Probably Damaging"; Align-GVGD: "Class C0"). This variant has not been reported in the literature in individuals affected with DMXL2-related conditions. This variant is not present in population databases (gnomAD no frequency). This sequence change replaces leucine, which is neutral and non-polar, with valine, which is neutral and non-polar, at codon 1232 of the DMXL2 protein (p.Leu1232Val).